The following is an entry in ClinVar:

ClinVar aggregate classification (germline): Uncertain significance (1 of 4 stars; one submission).

Conditions:
Gorlin syndrome. Also called: Basal cell nevus syndrome; Nevoid Basal Cell Carcinoma Syndrome. Identifiers: Orphanet 377, MedGen C0004779, MONDO:0007187.

Submission:

Labcorp Genetics (formerly Invitae), Labcorp
Classification: Uncertain significance for Gorlin syndrome. Last evaluated: 2025-07-30. Review status: criteria provided, single submitter. Criteria: Invitae Variant Classification Sherloc (09022015). Collection method: clinical testing. Allele origin: germline.
Comment: This sequence change replaces leucine, which is neutral and non-polar, with glycine, which is neutral and non-polar, at codon 982 of the PTCH2 protein (p.Leu982Gly). Information on the frequency of this variant in the gnomAD database is not available, as this variant may be reported differently in the database. This variant has not been reported in the literature in individuals affected with PTCH2-related conditions. ClinVar contains an entry for this variant (Variation ID: 1511247). An algorithm developed to predict the effect of missense changes on protein structure and function (PolyPhen-2) suggests that this variant is likely to be disruptive. In summary, the available evidence is currently insufficient to determine the role of this variant in disease. Therefore, it has been classified as a Variant of Uncertain Significance.

NM_003738.5(PTCH2):c.2944_2945delinsGG (p.Leu982Gly)

Gene: PTCH2 (patched 2; minus strand). Cytogenetic location: 1p34.1.
Variant type: Indel.
Coding change: c.2944_2945delinsGG on transcript NM_003738.5 (MANE Select); coding-DNA positions 2944 to 2945, CT replaced by GG.
Protein change: p.Leu982Gly; replaces leucine 982 with glycine.
Molecular consequence: missense variant.
Genome position (GRCh38, 1-based): chr1:44,826,519-44,826,520, AG replaced by CC on the plus strand (CT replaced by GG on the coding strand, the reverse complement: PTCH2 is on the minus strand). VCF-style: chr1-44826519-AG-CC. GRCh37 (hg19) VCF-style: chr1-45292191-AG-CC.
Other names: c.2944_2945delinsGG, p.Leu982Gly (NM_001166292.2); short protein forms L982G.
Identifiers: ClinVar variation 1511247 (VCV001511247.6), dbSNP rs2148874009, ClinGen allele CA2573132343.